The following is an entry in ClinVar:

ClinVar aggregate classification (germline): Uncertain significance (1 of 4 stars; one submission).

Conditions:
Agammaglobulinemia 3, autosomal recessive (AGM3). Also called: AGAMMAGLOBULINEMIA 3; AGAMMAGLOBULINEMIA, AUTOSOMAL RECESSIVE, DUE TO CD79A DEFECT. Identifiers: MedGen C3150751, MONDO:0013288, OMIM 613501.

Submission:

Labcorp Genetics (formerly Invitae), Labcorp
Classification: Uncertain significance for Agammaglobulinemia 3, autosomal recessive. Last evaluated: 2022-04-24. Review status: criteria provided, single submitter. Criteria: Invitae Variant Classification Sherloc (09022015). Collection method: clinical testing. Allele origin: germline.
Comment: This variant has not been reported in the literature in individuals affected with CD79A-related conditions. Algorithms developed to predict the effect of missense changes on protein structure and function output the following: SIFT: "Tolerated"; PolyPhen-2: "Benign"; Align-GVGD: "Class C0". The glycine amino acid residue is found in multiple mammalian species, which suggests that this missense change does not adversely affect protein function. In summary, the available evidence is currently insufficient to determine the role of this variant in disease. Therefore, it has been classified as a Variant of Uncertain Significance. This sequence change replaces glutamic acid, which is acidic and polar, with glycine, which is neutral and non-polar, at codon 113 of the CD79A protein (p.Glu113Gly). This variant is not present in population databases (gnomAD no frequency).

NM_001783.4(CD79A):c.338A>G (p.Glu113Gly)

Genes: CD79A (CD79a molecule; plus strand), RPS19-CD79A (RPS19-CD79A readthrough; plus strand). Cytogenetic location: 19q13.2.
Variant type: single nucleotide variant.
Coding change: c.338A>G on transcript NM_001783.4 (MANE Select); coding-DNA position 338, A replaced by G.
Protein change: p.Glu113Gly; replaces glutamic acid 113 with glycine.
Molecular consequence: missense variant. On other transcripts: intron variant (1).
Genome position (GRCh38, 1-based): chr19:41,879,248, A>G. VCF-style: chr19-41879248-A-G. GRCh37 (hg19) VCF-style: chr19-42383318-A-G.
Other names: c.265+73A>G (NM_021601.4); short protein forms E113G.
Identifiers: ClinVar variation 2127068 (VCV002127068.4), dbSNP rs2513699406, ClinGen allele CA406034636.